The following is an entry in ClinVar:

NM_001163435.3(TBCK):c.1340G>A (p.Arg447Lys)

Gene: TBCK (TBC1 domain containing kinase; minus strand). Cytogenetic location: 4q24.
Variant type: single nucleotide variant.
Coding change: c.1340G>A on transcript NM_001163435.3 (MANE Select); coding-DNA position 1340, G replaced by A.
Protein change: p.Arg447Lys; replaces arginine 447 with lysine.
Molecular consequence: missense variant.
Genome position (GRCh38, 1-based): chr4:106,236,400, C>T on the plus strand (G>A on the coding strand, the complement: TBCK is on the minus strand). VCF-style: chr4-106236400-C-T. GRCh37 (hg19) VCF-style: chr4-107157557-C-T.
Other names: c.1340G>A, p.Arg447Lys (NM_001163436.4); c.1223G>A, p.Arg408Lys (NM_001163437.3); c.824G>A, p.Arg275Lys (NM_001290768.2); c.1151G>A, p.Arg384Lys (NM_033115.5); short protein forms R384K, R408K, R275K, R447K.
Identifiers: ClinVar variation 1378926 (VCV001378926.6), dbSNP rs2150009995, ClinGen allele CA357823132.
Genomic context (GRCh38, chr4:106,236,400, plus strand): 5'-AAAAATTCCATATGGGCTATTGTTAACACTTTATACTTTAGAATCCATACCTTTAGCAGC[C>T]TGTCGAAGAGAATAATTCTATTTAGTTGGTACTCTGTATCCTTCTCTCTGATGATTAAAG-3'
Protein context (NP_001156907.2, residues 437-457): YQLNRIILFD[Arg447Lys]LLKAYPYKKN

ClinVar aggregate classification (germline): Uncertain significance (1 of 4 stars; one submission).

Submission:

Labcorp Genetics (formerly Invitae), Labcorp
Classification: Uncertain significance. Last evaluated: 2021-11-08. Review status: criteria provided, single submitter. Criteria: Invitae Variant Classification Sherloc (09022015). Collection method: clinical testing. Allele origin: germline.
Comment: This variant has not been reported in the literature in individuals affected with TBCK-related conditions. Algorithms developed to predict the effect of missense changes on protein structure and function are either unavailable or do not agree on the potential impact of this missense change (SIFT: "Deleterious"; PolyPhen-2: "Possibly Damaging"; Align-GVGD: "Class C0"). Algorithms developed to predict the effect of sequence changes on RNA splicing suggest that this variant may create or strengthen a splice site. In summary, the available evidence is currently insufficient to determine the role of this variant in disease. Therefore, it has been classified as a Variant of Uncertain Significance. This sequence change replaces arginine, which is basic and polar, with lysine, which is basic and polar, at codon 447 of the TBCK protein (p.Arg447Lys). This variant is not present in population databases (gnomAD no frequency).